The following is an entry in ClinVar:

NM_000051.4(ATM):c.5005G>C (p.Glu1669Gln)

Gene: ATM (ATM serine/threonine kinase; plus strand). Cytogenetic location: 11q22.3.
Variant type: single nucleotide variant.
Coding change: c.5005G>C on transcript NM_000051.4 (MANE Select); coding-DNA position 5005, G replaced by C.
Protein change: p.Glu1669Gln; replaces glutamic acid 1669 with glutamine.
Molecular consequence: missense variant.
Genome position (GRCh38, 1-based): chr11:108,297,382, G>C. VCF-style: chr11-108297382-G-C. GRCh37 (hg19) VCF-style: chr11-108168109-G-C.
Other names: c.5005G>C, p.Glu1669Gln (NM_001351834.2); short protein forms E1669Q.
Identifiers: ClinVar variation 2007813 (VCV002007813.4), dbSNP rs1591693095, ClinGen allele CA382538600.

ClinVar aggregate classification (germline): Uncertain significance (1 of 4 stars; one submission).

Conditions:
Ataxia-telangiectasia syndrome (AT). Also called: Cerebello-oculocutaneous telangiectasia; Immunodeficiency with ataxia telangiectasia; Ataxia telangiectasia (A-T); LOUIS-BAR SYNDROME; Ataxia-telangiectasia, complementation group D; AT, COMPLEMENTATION GROUP C. Identifiers: Orphanet 100, MedGen C0004135, MONDO:0008840, OMIM 208900.

Submission:

Labcorp Genetics (formerly Invitae), Labcorp
Classification: Uncertain significance for Ataxia-telangiectasia syndrome. Last evaluated: 2022-06-18. Review status: criteria provided, single submitter. Criteria: Invitae Variant Classification Sherloc (09022015). Collection method: clinical testing. Allele origin: germline.
Comment: In summary, the available evidence is currently insufficient to determine the role of this variant in disease. Therefore, it has been classified as a Variant of Uncertain Significance. Variants that disrupt the consensus splice site are a relatively common cause of aberrant splicing (PMID: 17576681, 9536098). Algorithms developed to predict the effect of sequence changes on RNA splicing suggest that this variant may disrupt the consensus splice site. Algorithms developed to predict the effect of missense changes on protein structure and function are either unavailable or do not agree on the potential impact of this missense change (SIFT: "Tolerated"; PolyPhen-2: "Possibly Damaging"; Align-GVGD: "Class C0"). This variant has not been reported in the literature in individuals affected with ATM-related conditions. This variant is not present in population databases (gnomAD no frequency). This sequence change replaces glutamic acid, which is acidic and polar, with glutamine, which is neutral and polar, at codon 1669 of the ATM protein (p.Glu1669Gln). This variant also falls at the last nucleotide of exon 33, which is part of the consensus splice site for this exon.

Literature cited by the submitters: PubMed 17576681; PubMed 9536098.